The following is an entry in ClinVar:

ClinVar aggregate classification (germline): Uncertain significance. Review status: criteria provided, multiple submitters, no conflicts (2 of 4 stars). 2 submissions from 2 submitters: Uncertain significance (2). Last evaluated 2025-04-29.

gnomAD v4.1: 43 of 1,612,858 alleles (0.0027%); highest among the groups gnomAD compares: Non-Finnish European, 0.0036%; no homozygotes.

Submissions (2):

Ambry Genetics
Classification: Uncertain significance. Last evaluated: 2025-04-29. Review status: criteria provided, single submitter. Criteria: Ambry Variant Classification Scheme 2023. Collection method: clinical testing. Allele origin: germline.

Labcorp Genetics (formerly Invitae), Labcorp
Classification: Uncertain significance. Last evaluated: 2022-07-12. Review status: criteria provided, single submitter. Criteria: Invitae Variant Classification Sherloc (09022015). Collection method: clinical testing. Allele origin: germline.
Comment: This sequence change replaces aspartic acid, which is acidic and polar, with histidine, which is basic and polar, at codon 833 of the LIG1 protein (p.Asp833His). This variant is present in population databases (rs747656528, gnomAD 0.006%). This variant has not been reported in the literature in individuals affected with LIG1-related conditions. Algorithms developed to predict the effect of missense changes on protein structure and function (SIFT, PolyPhen-2, Align-GVGD) all suggest that this variant is likely to be disruptive. In summary, the available evidence is currently insufficient to determine the role of this variant in disease. Therefore, it has been classified as a Variant of Uncertain Significance.

NM_000234.3(LIG1):c.2497G>C (p.Asp833His)

Gene: LIG1 (DNA ligase 1; minus strand). Cytogenetic location: 19q13.33.
Variant type: single nucleotide variant.
Coding change: c.2497G>C on transcript NM_000234.3 (MANE Select); coding-DNA position 2497, G replaced by C.
Protein change: p.Asp833His; replaces aspartic acid 833 with histidine.
Molecular consequence: missense variant. On other transcripts: non-coding transcript variant (6).
Genome position (GRCh38, 1-based): chr19:48,117,724, C>G on the plus strand (G>C on the coding strand, the complement: LIG1 is on the minus strand). VCF-style: chr19-48117724-C-G. GRCh37 (hg19) VCF-style: chr19-48620981-C-G.
Other names: c.2404G>C, p.Asp802His (NM_001289063.2); c.2293G>C, p.Asp765His (NM_001289064.2); c.2494G>C, p.Asp832His (NM_001320970.2); c.2407G>C, p.Asp803His (NM_001320971.2); short protein forms D803H, D765H, D833H, D802H, D832H.
Identifiers: ClinVar variation 1982706 (VCV001982706.2), dbSNP rs747656528, ClinGen allele CA9546383.